The following is an entry in ClinVar:

NM_005045.4(RELN):c.7336C>G (p.Pro2446Ala)

Gene: RELN (reelin; minus strand). Cytogenetic location: 7q22.1.
Variant type: single nucleotide variant.
Coding change: c.7336C>G on transcript NM_005045.4 (MANE Select); coding-DNA position 7336, C replaced by G.
Protein change: p.Pro2446Ala; replaces proline 2446 with alanine.
Molecular consequence: missense variant.
Genome position (GRCh38, 1-based): chr7:103,535,329, G>C on the plus strand (C>G on the coding strand, the complement: RELN is on the minus strand). VCF-style: chr7-103535329-G-C. GRCh37 (hg19) VCF-style: chr7-103175776-G-C.
Other names: c.7336C>G, p.Pro2446Ala (NM_173054.3); short protein forms P2446A.
Identifiers: ClinVar variation 2579558 (VCV002579558.1), dbSNP rs2484776461, ClinGen allele CA368768617.
Genomic context (GRCh38, chr7:103,535,329, plus strand): 5'-CTCACTATACGTAGAAGCATGTGGTGAACATGTAGAAGCATTCTTACCTGGTATAAGGAG[G>C]GAGAGGCAGAGTGATTCTAGTCCACTTGTTGAAAGTGTCTGACACCAGGATCCGTTGCAG-3'
Protein context (NP_005036.2, residues 2436-2456): NKWTRITLPL[Pro2446Ala]PYTRSQATRF

ClinVar aggregate classification (germline): Uncertain significance (1 of 4 stars; one submission).

Submission:

GeneDx
Classification: Uncertain significance. Last evaluated: 2023-03-05. Review status: criteria provided, single submitter. Criteria: GeneDx Variant Classification Process June 2021. Collection method: clinical testing. Allele origin: germline. Affected: yes.
Comment: Not observed at significant frequency in large population cohorts (gnomAD); In silico analysis supports that this missense variant has a deleterious effect on protein structure/function; Has not been previously published as pathogenic or benign to our knowledge